The following is an entry in ClinVar:

NM_170707.4(LMNA):c.591G>A (p.Leu197=)

Gene: LMNA (lamin A/C; plus strand). Cytogenetic location: 1q22.
Variant type: single nucleotide variant.
Coding change: c.591G>A on transcript NM_170707.4 (MANE Select); coding-DNA position 591, G replaced by A.
Protein change: p.Leu197=; no amino-acid change (leucine 197 retained).
Molecular consequence: synonymous variant.
Genome position (GRCh38, 1-based): chr1:156,134,480, G>A. VCF-style: chr1-156134480-G-A. GRCh37 (hg19) VCF-style: chr1-156104271-G-A.
Other names: c.255G>A, p.Leu85= (NM_001257374.3); c.348G>A, p.Leu116= (NM_001282624.2); c.591G>A, p.Leu197= (NM_001282625.2, NM_001282626.2, NM_005572.4 and 1 more transcripts).
Identifiers: ClinVar variation 288954 (VCV000288954.14), dbSNP rs886044049, ClinGen allele CA10606277.

ClinVar aggregate classification (germline): Conflicting classifications of pathogenicity. Review status: criteria provided, conflicting classifications (1 of 4 stars). 4 submissions from 4 submitters: Uncertain significance (1); Likely benign (3). Last evaluated 2024-11-13.

Conditions:
Cardiomyopathy (CMYO). Also called: Cardiomyopathies. Identifiers: Orphanet 167848, MedGen C0878544, MONDO:0004994, HP:0001638. Inheritance: Various modes of inheritance.
Charcot-Marie-Tooth disease type 2. Also called: Charcot-Marie-Tooth type 2. Identifiers: Orphanet 64746, MedGen C0270914, MONDO:0018993.
Primary dilated cardiomyopathy (DCM). Also called: Dilated Cardiomyopathy. Identifiers: Orphanet 217604, MedGen C0007193, MeSH D002311, MONDO:0005021, HP:0001644. Inheritance: Various modes of inheritance.

Allele frequency attached by ClinVar (database versions not stated): gnomAD exomes 0.00001 and below 0.00001.
gnomAD v4.1: 5 of 1,614,202 alleles (0.00031%); highest among the groups gnomAD compares: Non-Finnish European, 0.00042%; no homozygotes.

Submissions (4):

Labcorp Genetics (formerly Invitae), Labcorp
Classification: Likely benign for Charcot-Marie-Tooth disease type 2. Last evaluated: 2024-11-13. Review status: criteria provided, single submitter. Criteria: Invitae Variant Classification Sherloc (09022015). Collection method: clinical testing. Allele origin: germline.

All of Us Research Program, National Institutes of Health
Classification: Likely benign for Primary dilated cardiomyopathy. Last evaluated: 2023-02-10. Review status: criteria provided, single submitter. Criteria: ACMG Guidelines, 2015. Collection method: clinical testing. Allele origin: germline. Inheritance: Autosomal dominant inheritance. Observed: 1 variant allele, 1 heterozygote.
Comment: This study involves interpretation of variants in research participants for the purpose of population health screening. Participant phenotype was not available at the time of variant classification. Additional details can be found in publication PMID: 35346344, PMCID: PMC8962531

Color Diagnostics, LLC DBA Color Health
Classification: Likely benign for Cardiomyopathy. Last evaluated: 2022-05-06. Review status: criteria provided, single submitter. Criteria: ACMG Guidelines, 2015. Collection method: clinical testing. Allele origin: germline.

Eurofins Ntd Llc (ga)
Classification: Uncertain significance. Last evaluated: 2016-06-23. Review status: criteria provided, single submitter. Criteria: EGL Classification Definitions 2015. Collection method: clinical testing. Allele origin: germline. Observed: 1 variant allele, 1 heterozygote.